The following is an entry in ClinVar:

NM_000903.3(NQO1):c.335T>A (p.Ile112Asn)

Gene: NQO1 (NAD(P)H quinone dehydrogenase 1; minus strand). Cytogenetic location: 16q22.1.
Variant type: single nucleotide variant.
Coding change: c.335T>A on transcript NM_000903.3 (MANE Select); coding-DNA position 335, T replaced by A.
Protein change: p.Ile112Asn; replaces isoleucine 112 with asparagine.
Molecular consequence: missense variant. On other transcripts: intron variant (2).
Genome position (GRCh38, 1-based): chr16:69,715,046, A>T on the plus strand (T>A on the coding strand, the complement: NQO1 is on the minus strand). VCF-style: chr16-69715046-A-T. GRCh37 (hg19) VCF-style: chr16-69748949-A-T.
Other names: c.335T>A, p.Ile112Asn (NM_001025433.2); c.303+3077T>A (NM_001286137.2); c.304-1917T>A (NM_001025434.2); short protein forms I112N.
Identifiers: ClinVar variation 1730604 (VCV001730604.2), dbSNP rs2544326660, ClinGen allele CA396488964.

ClinVar aggregate classification (germline): Uncertain significance (1 of 4 stars; one submission).

Submission:

Ambry Genetics
Classification: Uncertain significance. Last evaluated: 2021-12-11. Review status: criteria provided, single submitter. Criteria: Ambry Variant Classification Scheme 2023. Collection method: clinical testing. Allele origin: germline.
Comment: The p.I112N variant (also known as c.335T>A), located in coding exon 4 of the NQO1 gene, results from a T to A substitution at nucleotide position 335. The isoleucine at codon 112 is replaced by asparagine, an amino acid with dissimilar properties. This amino acid position is conserved. In addition, the in silico prediction for this alteration is inconclusive. Since supporting evidence is limited at this time, the clinical significance of this alteration remains unclear.